The following is an entry in ClinVar:

NM_182961.4(SYNE1):c.7340A>G (p.His2447Arg)

Gene: SYNE1 (spectrin repeat containing nuclear envelope protein 1; minus strand). Cytogenetic location: 6q25.2.
Variant type: single nucleotide variant.
Coding change: c.7340A>G on transcript NM_182961.4 (MANE Select); coding-DNA position 7340, A replaced by G.
Protein change: p.His2447Arg; replaces histidine 2447 with arginine.
Molecular consequence: missense variant.
Genome position (GRCh38, 1-based): chr6:152,398,629, T>C on the plus strand (A>G on the coding strand, the complement: SYNE1 is on the minus strand). VCF-style: chr6-152398629-T-C. GRCh37 (hg19) VCF-style: chr6-152719764-T-C.
Other names: c.7361A>G, p.His2454Arg (NM_033071.5); short protein forms H2447R, H2454R.
Identifiers: ClinVar variation 1000059 (VCV001000059.9), dbSNP rs527670014, ClinGen allele CA4057846.
Genomic context (GRCh38, chr6:152,398,629, plus strand): 5'-GCACCTGAGTACATTTTGGGGAAGAAGGAAAAGGATGTCAGCTTCTATACCTGAAGATCA[T>C]GGAGCTTTGCTTCTAGAACTTTGCTGTCACCGGTGCGATCTGATGATTCTTTTGCTGCTG-3'
Protein context (NP_892006.3, residues 2437-2457): GDSKVLEAKL[His2447Arg]DLQNILDSVS

ClinVar aggregate classification (germline): Uncertain significance (1 of 4 stars; one submission).

Conditions:
Autosomal recessive ataxia, Beauce type. Also called: ATAXIA, RECESSIVE, OF BEAUCE; Spinocerebellar ataxia, autosomal recessive 8; SYNE1-Related Autosomal Recessive Cerebellar Ataxia; SYNE1 Deficiency. Identifiers: Orphanet 88644, MedGen C1853116, MONDO:0012549, OMIM 610743.
Emery-Dreifuss muscular dystrophy 4, autosomal dominant (EDMD4). Also called: EMERY-DREIFUSS MUSCULAR DYSTROPHY 4 WITH VARIABLE FEATURES. Identifiers: Orphanet 261, MedGen C2751807, MONDO:0013071, OMIM 612998.

Allele frequency attached by ClinVar (database versions not stated): gnomAD exomes below 0.00001 and 0.00002; ExAC 0.00001.
gnomAD v4.1: 6 of 1,613,646 alleles (0.00037%); highest among the groups gnomAD compares: South Asian, 0.0055%; no homozygotes.

Submission:

Labcorp Genetics (formerly Invitae), Labcorp
Classification: Uncertain significance for Emery-Dreifuss muscular dystrophy 4, autosomal dominant; Autosomal recessive ataxia, Beauce type. Last evaluated: 2020-01-24. Review status: criteria provided, single submitter. Criteria: Invitae Variant Classification Sherloc (09022015). Collection method: clinical testing. Allele origin: germline.
Comment: This sequence change replaces histidine with arginine at codon 2454 of the SYNE1 protein (p.His2454Arg). The histidine residue is highly conserved and there is a small physicochemical difference between histidine and arginine. This variant is present in population databases (rs527670014, ExAC 0.001%). This variant has not been reported in the literature in individuals with SYNE1-related conditions. Algorithms developed to predict the effect of missense changes on protein structure and function output the following: SIFT: "Tolerated"; PolyPhen-2: "Benign"; Align-GVGD: "Class C0". The arginine amino acid residue is found in multiple mammalian species, suggesting that this missense change does not adversely affect protein function. These predictions have not been confirmed by published functional studies and their clinical significance is uncertain. In summary, the available evidence is currently insufficient to determine the role of this variant in disease. Therefore, it has been classified as a Variant of Uncertain Significance.